The following is an entry in ClinVar:

NM_001267550.2(TTN):c.32593G>C (p.Val10865Leu)

Gene: TTN (titin; minus strand). Cytogenetic location: 2q31.2.
Variant type: single nucleotide variant.
Coding change: c.32593G>C on transcript NM_001267550.2 (MANE Select); coding-DNA position 32593, G replaced by C.
Protein change: p.Val10865Leu; replaces valine 10865 with leucine.
Molecular consequence: missense variant. On other transcripts: intron variant (3).
Genome position (GRCh38, 1-based): chr2:178,684,711, C>G on the plus strand (G>C on the coding strand, the complement: TTN is on the minus strand). VCF-style: chr2-178684711-C-G. GRCh37 (hg19) VCF-style: chr2-179549438-C-G.
Other names: p.V10548L:GTT>CTT; p.Val10548Leu; c.13283-42394G>C (NM_003319.4); c.13859-42394G>C (NM_133437.4); c.13658-42394G>C (NM_133432.3); c.31642G>C, p.Val10548Leu (NM_001256850.1); c.28861G>C, p.Val9621Leu (NM_133378.4); short protein forms V10865L, V9621L, V10548L.
Identifiers: ClinVar variation 178227 (VCV000178227.67), dbSNP rs150733188, ClinGen allele CA181841.

ClinVar aggregate classification (germline): Conflicting classifications of pathogenicity. Review status: criteria provided, conflicting classifications (1 of 4 stars). 19 submissions from 15 submitters: Uncertain significance (3); Benign (4); Likely benign (8). 4 of the submissions do not count toward it. Last evaluated 2026-07-01.

Conditions:
TTN-related disorder. Also called: TTN-related disorders; TTN-related condition; TTN-related disease.
Cardiovascular phenotype. Identifiers: MedGen CN230736.
Autosomal recessive limb-girdle muscular dystrophy type 2J (LGMDR10). Also called: Limb-girdle muscular dystrophy, type 2J; MUSCULAR DYSTROPHY, LIMB-GIRDLE, AUTOSOMAL RECESSIVE 10. Identifiers: Orphanet 140922, MedGen C1837342, MONDO:0012127, OMIM 608807.
Dilated cardiomyopathy 1G (CMD1G). Identifiers: Orphanet 154, MedGen C1858763, MONDO:0011400, OMIM 604145.
Myopathy, myofibrillar, 9, with early respiratory failure (MFM9). Also called: Myopathy, distal, with early respiratory failure, autosomal dominant; EDSTROM MYOPATHY; MYOPATHY, PROXIMAL, WITH EARLY RESPIRATORY MUSCLE INVOLVEMENT; Hereditary myopathy with early respiratory failure. Identifiers: Orphanet 178464, Orphanet 34521, MedGen C1863599, MONDO:0011362, OMIM 603689.
Early-onset myopathy with fatal cardiomyopathy (CMYO5). Also called: Salih Myopathy; CONGENITAL MYOPATHY 5 WITH CARDIOMYOPATHY. Identifiers: Orphanet 289377, MedGen C2673677, MONDO:0012714, OMIM 611705. Disease mechanism: loss of function.
Tibial muscular dystrophy (TMD). Also called: Udd Distal Myopathy – Tibial Muscular Dystrophy; UDD MYOPATHY; Tibial muscular dystrophy, tardive. Identifiers: Orphanet 609, MedGen C1838244, MONDO:0010870, OMIM 600334.

Allele frequency attached by ClinVar (database versions not stated): 1000 Genomes Project 0.00100; 1000 Genomes Project 30x 0.00125; ESP Exome Variant Server 0.00136; TOPMed 0.00140; gnomAD 0.00141.
gnomAD v4.1: 362 of 1,613,548 alleles (0.022%); highest among the groups gnomAD compares: African/African-American, 0.43%; no homozygotes.

Submissions (19):

CeGaT Center for Human Genetics Tuebingen
Classification: Likely benign. Last evaluated: 2026-07-01. Review status: criteria provided, single submitter. Criteria: CeGaT Center For Human Genetics Tuebingen Variant Classification Criteria Version 2. Collection method: clinical testing. Allele origin: germline. Affected: yes. Observed: 5 variant alleles.
Comment: TTN: BP4

Labcorp Genetics (formerly Invitae), Labcorp
Classification: Benign for Dilated cardiomyopathy 1G; Autosomal recessive limb-girdle muscular dystrophy type 2J. Last evaluated: 2026-02-02. Review status: criteria provided, single submitter. Criteria: Invitae Variant Classification Sherloc (09022015). Collection method: clinical testing. Allele origin: germline.

Molecular Diagnostic Laboratory for Inherited Cardiovascular Disease, Montreal Heart Institute
Classification: Likely benign. Last evaluated: 2025-04-09. Review status: criteria provided, single submitter. Criteria: ACMG Guidelines, 2015. Collection method: clinical testing. Allele origin: germline. Affected: no.
Comment: BS1;BP1;BP6

Mayo Clinic Laboratories, Mayo Clinic
Classification: Likely benign. Last evaluated: 2024-10-16. Review status: criteria provided, single submitter. Criteria: ACMG Guidelines, 2015. Collection method: clinical testing. Allele origin: germline. Observed: 2 variant alleles.
Comment: BS1, BP4

Blueprint Genetics
Classification: Likely benign. Last evaluated: 2024-09-03. Review status: criteria provided, single submitter. Criteria: ACMG Guidelines, 2015. Collection method: clinical testing. Allele origin: germline.

Women's Health and Genetics/Laboratory Corporation of America, LabCorp
Classification: Benign. Last evaluated: 2023-07-24. Review status: criteria provided, single submitter. Criteria: LabCorp Variant Classification Summary - May 2015. Collection method: clinical testing. Allele origin: germline.
Comment: Variant summary: TTN c.28861G>C (p.Val9621Leu) results in a conservative amino acid change located in the I-band region of the encoded protein sequence. Four of five in-silico tools predict a benign effect of the variant on protein function. The variant allele was found at a frequency of 0.00042 in 280274 control chromosomes (gnomAD), predominantly at a frequency of 0.0046 within the African or African-American subpopulation in the gnomAD database. The observed variant frequency within African or African-American control individuals in the gnomAD database is approximately 7.5 fold of the estimated maximal expected allele frequency for a pathogenic variant in TTN causing Cardiomyopathy phenotype (0.00063), strongly suggesting that the variant is a benign polymorphism found primarily in populations of African or African-American origin. To our knowledge, no occurrence of c.28861G>C in individuals affected with Cardiomyopathy and no experimental evidence demonstrating its impact on protein function have been reported. Six ClinVar submitters have assessed the variant since 2014: one classified the variant as uncertain significance, three as likely benign, and two as benign. Based on the evidence outlined above, the variant was classified as benign.

Ambry Genetics
Classification: Likely benign for Cardiovascular phenotype. Last evaluated: 2019-03-20. Review status: criteria provided, single submitter. Criteria: Ambry Autosomal Dominant and X-Linked criteria (3/2017). Collection method: clinical testing. Allele origin: germline. Observed: 1 variant allele.
Comment: In silico models in agreement (benign);Subpopulation frequency in support of benign classification

Illumina Laboratory Services, Illumina
Classification: Uncertain significance for Early-onset myopathy with fatal cardiomyopathy. Last evaluated: 2018-01-12. Review status: criteria provided, single submitter. Criteria: ICSL Variant Classification Criteria 13 December 2019. Collection method: clinical testing. Allele origin: germline.

Illumina Laboratory Services, Illumina
Classification: Benign for Tibial muscular dystrophy. Last evaluated: 2018-01-12. Review status: criteria provided, single submitter. Criteria: ICSL Variant Classification Criteria 13 December 2019. Collection method: clinical testing. Allele origin: germline.
Comment: This variant was observed in the ICSL laboratory as part of a predisposition screen in an ostensibly healthy population. It had not been previously curated by ICSL or reported in the Human Gene Mutation Database (HGMD: prior to June 1st, 2018), and was therefore a candidate for classification through an automated scoring system. Utilizing variant allele frequency, disease prevalence and penetrance estimates, and inheritance mode, an automated score was calculated to assess if this variant is too frequent to cause the disease. Based on the score and internal cut-off values, a variant classified as benign is not then subjected to further curation. The score for this variant resulted in a classification of benign for this disease.

Illumina Laboratory Services, Illumina
Classification: Benign for Myopathy, myofibrillar, 9, with early respiratory failure. Last evaluated: 2018-01-12. Review status: criteria provided, single submitter. Criteria: ICSL Variant Classification Criteria 13 December 2019. Collection method: clinical testing. Allele origin: germline.
Comment: the same text as in the submission from Illumina Laboratory Services, Illumina above.

Illumina Laboratory Services, Illumina
Classification: Uncertain significance for Autosomal recessive limb-girdle muscular dystrophy type 2J. Last evaluated: 2018-01-12. Review status: criteria provided, single submitter. Criteria: ICSL Variant Classification Criteria 13 December 2019. Collection method: clinical testing. Allele origin: germline.

Illumina Laboratory Services, Illumina
Classification: Uncertain significance for Dilated cardiomyopathy 1G. Last evaluated: 2018-01-12. Review status: criteria provided, single submitter. Criteria: ICSL Variant Classification Criteria 13 December 2019. Collection method: clinical testing. Allele origin: germline.

GeneDx
Classification: Likely benign. Last evaluated: 2017-12-08. Review status: criteria provided, single submitter. Criteria: GeneDx Variant Classification (06012015). Collection method: clinical testing. Allele origin: germline. Affected: yes.
Comment: This variant is considered likely benign or benign based on one or more of the following criteria: it is a conservative change, it occurs at a poorly conserved position in the protein, it is predicted to be benign by multiple in silico algorithms, and/or has population frequency not consistent with disease.

Eurofins Ntd Llc (ga)
Classification: Likely benign. Last evaluated: 2014-10-10. Review status: criteria provided, single submitter. Criteria: EGL Classification Definitions 2015. Collection method: clinical testing. Allele origin: germline. Observed: 1 variant allele, 1 heterozygote.

Laboratory for Molecular Medicine, Mass General Brigham Personalized Medicine
Classification: Likely benign. Last evaluated: 2012-03-19. Review status: criteria provided, single submitter. Criteria: LMM Criteria. Collection method: clinical testing. Allele origin: germline. Observed: 1 variant allele.
Comment: p.Val9621Leu in Exon 128 of TTN: This variant is not expected to have clinical s ignificance because it has been identified in 0.4% (13/2932) of African American chromosomes from a broad population by the NHLBI Exome Sequencing Project (dbSNP rs150733188).

PreventionGenetics, part of Exact Sciences
Classification: Likely benign for TTN-related condition. Last evaluated: 2020-09-02. Review status: no assertion criteria provided. Collection method: clinical testing. Allele origin: germline. Not counted in ClinVar's aggregate classification.
Comment: This variant is classified as likely benign based on ACMG/AMP sequence variant interpretation guidelines (Richards et al. 2015 PMID: 25741868, with internal and published modifications).

Clinical Genetics DNA and cytogenetics Diagnostics Lab, Erasmus MC, Erasmus Medical Center
Classification: Likely benign. Review status: no assertion criteria provided. Collection method: clinical testing. Allele origin: germline. Affected: yes. Study: VKGL Data-share Consensus. Not counted in ClinVar's aggregate classification.

Clinical Genetics, Academic Medical Center
Classification: Benign. Review status: no assertion criteria provided. Collection method: clinical testing. Allele origin: germline. Affected: yes. Study: VKGL Data-share Consensus. Not counted in ClinVar's aggregate classification.

Genome Diagnostics Laboratory, University Medical Center Utrecht
Classification: Likely benign. Review status: no assertion criteria provided. Collection method: clinical testing. Allele origin: germline. Affected: yes. Study: VKGL Data-share Consensus. Not counted in ClinVar's aggregate classification.